The following is an entry in ClinVar:

ClinVar aggregate classification (germline): Pathogenic. Review status: criteria provided, multiple submitters, no conflicts (2 of 4 stars). 2 submissions from 2 submitters: Pathogenic (2). Last evaluated 2025-02-06.

Conditions:
Familial adenomatous polyposis 4 (FAP4). Also called: MSH3-related attenuated familial adenomatous polyposis. Identifiers: Orphanet 480536, MedGen C4310719, MONDO:0044300, OMIM 617100.

Submissions (2):

Labcorp Genetics (formerly Invitae), Labcorp
Classification: Pathogenic. Last evaluated: 2025-02-06. Review status: criteria provided, single submitter. Criteria: Invitae Variant Classification Sherloc (09022015). Collection method: clinical testing. Allele origin: germline.
Comment: This sequence change creates a premature translational stop signal (p.Val851Argfs*16) in the MSH3 gene. It is expected to result in an absent or disrupted protein product. Loss-of-function variants in MSH3 are known to be pathogenic (PMID: 27476653, 37402566). This variant is not present in population databases (gnomAD no frequency). This variant has not been reported in the literature in individuals affected with MSH3-related conditions. ClinVar contains an entry for this variant (Variation ID: 2673500). For these reasons, this variant has been classified as Pathogenic.

Myriad Genetics, Inc.
Classification: Pathogenic for Familial adenomatous polyposis 4. Last evaluated: 2023-08-31. Review status: criteria provided, single submitter. Criteria: Myriad Autosomal Dominant, Autosomal Recessive and X-Linked Classification Criteria (2023). Collection method: clinical testing. Allele origin: unknown.
Comment: This variant is considered pathogenic. This variant creates a frameshift predicted to result in premature protein truncation.

Literature cited by the submitters: PubMed 27476653 (cited by Labcorp Genetics (formerly Invitae), Labcorp); PubMed 37402566 (cited by Labcorp Genetics (formerly Invitae), Labcorp).

NM_002439.5(MSH3):c.2550_2554del (p.Val851fs)

Gene: MSH3 (mutS homolog 3; plus strand). Cytogenetic location: 5q14.1.
Variant type: Deletion.
Coding change: c.2550_2554del on transcript NM_002439.5 (MANE Select); coding-DNA positions 2550 to 2554, 5 bases deleted (TGTAC; older notation c.2550_2554delTGTAC).
Protein change: p.Val851fs; shifts the reading frame from valine 851.
Molecular consequence: frameshift variant.
Genome position (GRCh38, 1-based): chr5:80,792,739-80,792,743, TGTAC deleted; deleting any 5 consecutive bases within chr5:80,792,737-80,792,743 gives the same sequence; the c. name uses the placement nearest the transcript's 3' end. VCF-style (leftmost placement, unchanged base first): chr5-80792736-AACTGT-A. GRCh37 (hg19) VCF-style: chr5-80088555-AACTGT-A.
Other names: short protein forms V851fs.
Identifiers: ClinVar variation 2673500 (VCV002673500.2), dbSNP rs1330791390, ClinGen allele CA814462407.
Genomic context (GRCh38, chr5:80,792,736, plus strand): 5'-TTTTTTTTTAAGGCTATTTCCATGCCTAGTAAATTGAAACATATTTCTTTTTTGCAGACC[AACTGT>A]ACAAGAAGAAAGAAAAATTGTAATAAAAAATGGAAGGCACCCTGTGATTGATGTGTTGCT-3'